The following is an entry in ClinVar:

ClinVar aggregate classification (germline): Uncertain significance (1 of 4 stars; one submission).

Conditions:
Aortic aneurysm, familial thoracic 7 (AAT7). Also called: AORTIC DISSECTION, FAMILIAL, WITH OR WITHOUT AORTIC ANEURYSM. Identifiers: MedGen C3151077, MONDO:0013418, OMIM 613780.

gnomAD v4.1: 2 of 1,614,076 alleles (0.00012%); no homozygotes.

Submission:

Labcorp Genetics (formerly Invitae), Labcorp
Classification: Uncertain significance for Aortic aneurysm, familial thoracic 7. Last evaluated: 2025-02-15. Review status: criteria provided, single submitter. Criteria: Invitae Variant Classification Sherloc (09022015). Collection method: clinical testing. Allele origin: germline.
Comment: This sequence change replaces glutamic acid, which is acidic and polar, with lysine, which is basic and polar, at codon 714 of the MYLK protein (p.Glu714Lys). This variant also falls at the last nucleotide of exon 15, which is part of the consensus splice site for this exon. This variant is present in population databases (no rsID available, gnomAD no frequency). This variant has not been reported in the literature in individuals affected with MYLK-related conditions. An algorithm developed to predict the effect of missense changes on protein structure and function (PolyPhen-2) suggests that this variant is likely to be tolerated. Variants that disrupt the consensus splice site are a relatively common cause of aberrant splicing (PMID: 17576681, 9536098). Algorithms developed to predict the effect of sequence changes on RNA splicing suggest that this variant may disrupt the consensus splice site. In summary, the available evidence is currently insufficient to determine the role of this variant in disease. Therefore, it has been classified as a Variant of Uncertain Significance.

Literature cited by the submitters: PubMed 17576681; PubMed 9536098.

NM_053025.4(MYLK):c.2140G>A (p.Glu714Lys)

Gene: MYLK (myosin light chain kinase; minus strand). Cytogenetic location: 3q21.1.
Variant type: single nucleotide variant.
Coding change: c.2140G>A on transcript NM_053025.4 (MANE Select); coding-DNA position 2140, G replaced by A.
Protein change: p.Glu714Lys; replaces glutamic acid 714 with lysine.
Molecular consequence: missense variant.
Genome position (GRCh38, 1-based): chr3:123,708,698, C>T on the plus strand (G>A on the coding strand, the complement: MYLK is on the minus strand). VCF-style: chr3-123708698-C-T. GRCh37 (hg19) VCF-style: chr3-123427545-C-T.
Other names: c.1612G>A, p.Glu538Lys (NM_001321309.2); c.1933G>A, p.Glu645Lys (NM_053026.4, NM_053028.4); c.2140G>A, p.Glu714Lys (NM_053027.4); short protein forms E714K, E538K, E645K.
Identifiers: ClinVar variation 4698061 (VCV004698061.1).